The following is an entry in ClinVar:

NM_003470.3(USP7):c.2668A>G (p.Asn890Asp)

Gene: USP7 (ubiquitin specific peptidase 7; minus strand). Cytogenetic location: 16p13.2.
Variant type: single nucleotide variant.
Coding change: c.2668A>G on transcript NM_003470.3 (MANE Select); coding-DNA position 2668, A replaced by G.
Protein change: p.Asn890Asp; replaces asparagine 890 with aspartic acid.
Molecular consequence: missense variant. On other transcripts: non-coding transcript variant (1).
Genome position (GRCh38, 1-based): chr16:8,898,410, T>C on the plus strand (A>G on the coding strand, the complement: USP7 is on the minus strand). VCF-style: chr16-8898410-T-C. GRCh37 (hg19) VCF-style: chr16-8992267-T-C.
Other names: c.2620A>G, p.Asn874Asp (NM_001286457.2); c.2371A>G, p.Asn791Asp (NM_001286458.2); c.2494A>G, p.Asn832Asp (NM_001321858.2); short protein forms N890D, N874D, N791D, N832D.
Identifiers: ClinVar variation 2001378 (VCV002001378.4), dbSNP rs2549218691, ClinGen allele CA394697619.

ClinVar aggregate classification (germline): Uncertain significance (1 of 4 stars; one submission).

Submission:

Labcorp Genetics (formerly Invitae), Labcorp
Classification: Uncertain significance. Last evaluated: 2022-05-31. Review status: criteria provided, single submitter. Criteria: Invitae Variant Classification Sherloc (09022015). Collection method: clinical testing. Allele origin: germline.
Comment: This sequence change replaces asparagine, which is neutral and polar, with aspartic acid, which is acidic and polar, at codon 890 of the USP7 protein (p.Asn890Asp). This variant is not present in population databases (gnomAD no frequency). This variant has not been reported in the literature in individuals affected with USP7-related conditions. Algorithms developed to predict the effect of missense changes on protein structure and function are either unavailable or do not agree on the potential impact of this missense change (SIFT: "Tolerated"; PolyPhen-2: "Possibly Damaging"; Align-GVGD: "Class C0"). In summary, the available evidence is currently insufficient to determine the role of this variant in disease. Therefore, it has been classified as a Variant of Uncertain Significance.